The following is an entry in ClinVar:

NM_001276270.2(MBD4):c.1060G>A (p.Glu354Lys)

Gene: MBD4 (methyl-CpG binding domain 4, DNA glycosylase; minus strand). Cytogenetic location: 3q21.3.
Variant type: single nucleotide variant.
Coding change: c.1060G>A on transcript NM_001276270.2 (MANE Select); coding-DNA position 1060, G replaced by A.
Protein change: p.Glu354Lys; replaces glutamic acid 354 with lysine.
Molecular consequence: missense variant. On other transcripts: intron variant (1).
Genome position (GRCh38, 1-based): chr3:129,436,584, C>T on the plus strand (G>A on the coding strand, the complement: MBD4 is on the minus strand). VCF-style: chr3-129436584-C-T. GRCh37 (hg19) VCF-style: chr3-129155427-C-T.
Other names: c.1060G>A, p.Glu354Lys (NM_001276271.2, NM_001276272.2, NM_003925.3); c.247+1224G>A (NM_001276273.2); short protein forms E354K.
Identifiers: ClinVar variation 2869192 (VCV002869192.4), dbSNP rs934619827, ClinGen allele CA82636044.
Genomic context (GRCh38, chr3:129,436,584, plus strand): 5'-CAGTATGCAAATGTTCTTTCCTTTCCACAACTTCTACTTTTGTTCCGATTTCTTCAGATT[C>T]TAAAAAGGTATCCTCATACTTCTCGTTGTGTTCTGAGTCTTTGGCTGAACAAAATTTGTT-3'
Protein context (NP_001263199.1, residues 344-364): HNEKYEDTFL[Glu354Lys]SEEIGTKVEV

ClinVar aggregate classification (germline): Uncertain significance. Review status: criteria provided, multiple submitters, no conflicts (2 of 4 stars). 2 submissions from 2 submitters: Uncertain significance (2). Last evaluated 2026-01-07.

Conditions:
Inborn genetic diseases. Identifiers: MedGen C0950123, MeSH D030342.

Allele frequency attached by ClinVar (database versions not stated): TOPMed 0.00001; gnomAD 0.00001; gnomAD exomes 0.00001.

Submissions (2):

Labcorp Genetics (formerly Invitae), Labcorp
Classification: Uncertain significance. Last evaluated: 2026-01-07. Review status: criteria provided, single submitter. Criteria: Invitae Variant Classification Sherloc (09022015). Collection method: clinical testing. Allele origin: germline.
Comment: This sequence change replaces glutamic acid, which is acidic and polar, with lysine, which is basic and polar, at codon 354 of the MBD4 protein (p.Glu354Lys). This variant is present in population databases (no rsID available, gnomAD 0.006%). This variant has not been reported in the literature in individuals affected with MBD4-related conditions. ClinVar contains an entry for this variant (Variation ID: 2869192). An algorithm developed to predict the effect of missense changes on protein structure and function (PolyPhen-2) suggests that this variant is likely to be tolerated. In summary, the available evidence is currently insufficient to determine the role of this variant in disease. Therefore, it has been classified as a Variant of Uncertain Significance.

Ambry Genetics
Classification: Uncertain significance for Inborn genetic diseases. Last evaluated: 2024-11-28. Review status: criteria provided, single submitter. Criteria: Ambry Variant Classification Scheme 2023. Collection method: clinical testing. Allele origin: germline.
Comment: The p.E354K variant (also known as c.1060G>A), located in coding exon 3 of the MBD4 gene, results from a G to A substitution at nucleotide position 1060. The glutamic acid at codon 354 is replaced by lysine, an amino acid with similar properties. This amino acid position is conserved. In addition, the in silico prediction for this alteration is inconclusive. Based on the available evidence, the clinical significance of this variant remains unclear.